The following is an entry in ClinVar:

ClinVar aggregate classification (germline): Uncertain significance. Review status: criteria provided, multiple submitters, no conflicts (2 of 4 stars). 2 submissions from 2 submitters: Uncertain significance (2). Last evaluated 2022-08-06.

Conditions:
Charcot-Marie-Tooth disease type 2. Also called: Charcot-Marie-Tooth type 2. Identifiers: Orphanet 64746, MedGen C0270914, MONDO:0018993.

gnomAD v4.1: 4 of 1,614,128 alleles (0.00025%); highest among the groups gnomAD compares: Non-Finnish European, 0.00034%; no homozygotes.

Submissions (2):

Labcorp Genetics (formerly Invitae), Labcorp
Classification: Uncertain significance for Charcot-Marie-Tooth disease type 2. Last evaluated: 2022-08-06. Review status: criteria provided, single submitter. Criteria: Invitae Variant Classification Sherloc (09022015). Collection method: clinical testing. Allele origin: germline.
Comment: Algorithms developed to predict the effect of missense changes on protein structure and function are either unavailable or do not agree on the potential impact of this missense change (SIFT: "Tolerated"; PolyPhen-2: "Probably Damaging"; Align-GVGD: "Class C0"). This sequence change replaces methionine, which is neutral and non-polar, with threonine, which is neutral and polar, at codon 809 of the KIF1B protein (p.Met809Thr). This variant is present in population databases (rs745565933, gnomAD 0.0009%). This variant has not been reported in the literature in individuals affected with KIF1B-related conditions. In summary, the available evidence is currently insufficient to determine the role of this variant in disease. Therefore, it has been classified as a Variant of Uncertain Significance.

Ambry Genetics
Classification: Uncertain significance. Last evaluated: 2021-05-27. Review status: criteria provided, single submitter. Criteria: Ambry Variant Classification Scheme 2023. Collection method: clinical testing. Allele origin: germline.
Comment: The p.M809T variant (also known as c.2426T>C), located in coding exon 23 of the KIF1B gene, results from a T to C substitution at nucleotide position 2426. The methionine at codon 809 is replaced by threonine, an amino acid with similar properties. This amino acid position is highly conserved in available vertebrate species. In addition, this alteration is predicted to be deleterious by in silico analysis. Since supporting evidence is limited at this time, the clinical significance of this alteration remains unclear.

NM_001365951.3(KIF1B):c.2564T>C (p.Met855Thr)

Gene: KIF1B (kinesin family member 1B; plus strand). Cytogenetic location: 1p36.22.
Variant type: single nucleotide variant.
Coding change: c.2564T>C on transcript NM_001365951.3 (MANE Select); coding-DNA position 2564, T replaced by C.
Protein change: p.Met855Thr; replaces methionine 855 with threonine.
Molecular consequence: missense variant.
Genome position (GRCh38, 1-based): chr1:10,324,784, T>C. VCF-style: chr1-10324784-T-C. GRCh37 (hg19) VCF-style: chr1-10384842-T-C.
Other names: c.2564T>C, p.Met855Thr (NM_001365952.1); c.2426T>C, p.Met809Thr (NM_015074.3); short protein forms M809T, M855T.
Identifiers: ClinVar variation 1791097 (VCV001791097.7), dbSNP rs745565933, ClinGen allele CA581559.